The following is an entry in ClinVar:

NM_001130004.2(ACTN1):c.2611C>T (p.Arg871Cys)

Gene: ACTN1 (actinin alpha 1; minus strand). Cytogenetic location: 14q24.1.
Variant type: single nucleotide variant.
Coding change: c.2611C>T on transcript NM_001130004.2 (MANE Select); coding-DNA position 2611, C replaced by T.
Protein change: p.Arg871Cys; replaces arginine 871 with cysteine.
Molecular consequence: missense variant.
Genome position (GRCh38, 1-based): chr14:68,874,993, G>A on the plus strand (C>T on the coding strand, the complement: ACTN1 is on the minus strand). VCF-style: chr14-68874993-G-A. GRCh37 (hg19) VCF-style: chr14-69341710-G-A.
Other names: c.2545C>T, p.Arg849Cys (NM_001102.4); c.2530C>T, p.Arg844Cys (NM_001130005.2); c.2554C>T, p.Arg852Cys (NM_001411035.1); c.2350C>T, p.Arg784Cys (NM_001411036.1); short protein forms R849C, R784C, R844C, R852C, R871C.
Identifiers: ClinVar variation 1987773 (VCV001987773.4), dbSNP rs547204209, ClinGen allele CA7241906.

ClinVar aggregate classification (germline): Uncertain significance (1 of 4 stars; one submission).

Allele frequency attached by ClinVar (database versions not stated): TOPMed below 0.00001; ExAC 0.00001; gnomAD 0.00001; 1000 Genomes Project 30x 0.00016; 1000 Genomes Project 0.00020.
gnomAD v4.1: 6 of 1,613,540 alleles (0.00037%); highest among the groups gnomAD compares: Middle Eastern, 0.016%; no homozygotes.

Submission:

Labcorp Genetics (formerly Invitae), Labcorp
Classification: Uncertain significance. Last evaluated: 2022-09-12. Review status: criteria provided, single submitter. Criteria: Invitae Variant Classification Sherloc (09022015). Collection method: clinical testing. Allele origin: germline.
Comment: This sequence change replaces arginine, which is basic and polar, with cysteine, which is neutral and slightly polar, at codon 871 of the ACTN1 protein (p.Arg871Cys). This variant is present in population databases (rs547204209, gnomAD 0.003%). This variant has not been reported in the literature in individuals affected with ACTN1-related conditions. Algorithms developed to predict the effect of missense changes on protein structure and function are either unavailable or do not agree on the potential impact of this missense change (SIFT: "Deleterious"; PolyPhen-2: "Probably Damaging"; Align-GVGD: "Class C0"). In summary, the available evidence is currently insufficient to determine the role of this variant in disease. Therefore, it has been classified as a Variant of Uncertain Significance.